The following is an entry in ClinVar:

ClinVar aggregate classification (germline): Conflicting classifications of pathogenicity. Review status: criteria provided, conflicting classifications (1 of 4 stars). 3 submissions from 3 submitters: Uncertain significance (2); Benign (1). Last evaluated 2026-03-23.

Conditions:
Dilated cardiomyopathy 1JJ (CMD1JJ). Identifiers: Orphanet 154, MedGen C3808935, MONDO:0014095, OMIM 615235.
Cardiovascular phenotype. Identifiers: MedGen CN230736.

Allele frequency attached by ClinVar (database versions not stated): ExAC 0.00004; gnomAD 0.00004; gnomAD exomes 0.00004; TOPMed 0.00005.
gnomAD v4.1: 59 of 1,612,114 alleles (0.0037%); highest among the groups gnomAD compares: Non-Finnish European, 0.0048%; no homozygotes.

Submissions (3):

Women's Health and Genetics/Laboratory Corporation of America, LabCorp
Classification: Benign. Last evaluated: 2026-03-23. Review status: criteria provided, single submitter. Criteria: LabCorp Variant Classification Summary - May 2015. Collection method: clinical testing. Allele origin: germline.

Labcorp Genetics (formerly Invitae), Labcorp
Classification: Uncertain significance for Dilated cardiomyopathy 1JJ. Last evaluated: 2025-04-23. Review status: criteria provided, single submitter. Criteria: Invitae Variant Classification Sherloc (09022015). Collection method: clinical testing. Allele origin: germline.
Comment: This sequence change falls in intron 31 of the LAMA4 gene. It does not directly change the encoded amino acid sequence of the LAMA4 protein. It affects a nucleotide within the consensus splice site. This variant is present in population databases (rs782528136, gnomAD 0.008%). This variant has not been reported in the literature in individuals affected with LAMA4-related conditions. ClinVar contains an entry for this variant (Variation ID: 569252). Variants that disrupt the consensus splice site are a relatively common cause of aberrant splicing (PMID: 17576681, 9536098). Algorithms developed to predict the effect of sequence changes on RNA splicing suggest that this variant is not likely to affect RNA splicing. In summary, the available evidence is currently insufficient to determine the role of this variant in disease. Therefore, it has been classified as a Variant of Uncertain Significance.

Ambry Genetics
Classification: Uncertain significance for Cardiovascular phenotype. Last evaluated: 2023-05-31. Review status: criteria provided, single submitter. Criteria: Ambry Variant Classification Scheme 2023. Collection method: clinical testing. Allele origin: germline.
Comment: The c.4266+4A>G intronic variant results from an A to G substitution 4 nucleotides after coding exon 30 in the LAMA4 gene. This nucleotide position is well conserved in available vertebrate species. In silico splice site analysis predicts that this alteration may weaken the native splice donor site. The evidence for this gene-disease relationship is limited; therefore, the clinical significance of this alteration is unclear.

Literature cited by the submitters: PubMed 17576681 (cited by Labcorp Genetics (formerly Invitae), Labcorp); PubMed 9536098 (cited by Labcorp Genetics (formerly Invitae), Labcorp).

NM_001105206.3(LAMA4):c.4287+4A>G

Gene: LAMA4 (laminin subunit alpha 4; minus strand). Cytogenetic location: 6q21.
Variant type: single nucleotide variant.
Coding change: c.4287+4A>G on transcript NM_001105206.3 (MANE Select); 4 bases into the intron after coding-DNA position 4287, A replaced by G.
Molecular consequence: intron variant.
Genome position (GRCh38, 1-based): chr6:112,128,918, T>C on the plus strand (A>G on the coding strand, the complement: LAMA4 is on the minus strand). VCF-style: chr6-112128918-T-C. GRCh37 (hg19) VCF-style: chr6-112450120-T-C.
Other names: c.4266+4A>G (NM_002290.5, NM_001105207.3, NM_002290.3).
Identifiers: ClinVar variation 569252 (VCV000569252.11), dbSNP rs782528136, ClinGen allele CA3965016.